The following is an entry in ClinVar:

NM_014362.4(HIBCH):c.891+19C>T

Gene: HIBCH (3-hydroxyisobutyryl-CoA hydrolase; minus strand). Cytogenetic location: 2q32.2.
Variant type: single nucleotide variant.
Coding change: c.891+19C>T on transcript NM_014362.4 (MANE Select); 19 bases into the intron after coding-DNA position 891, C replaced by T.
Molecular consequence: intron variant.
Genome position (GRCh38, 1-based): chr2:190,244,868, G>A on the plus strand (C>T on the coding strand, the complement: HIBCH is on the minus strand). VCF-style: chr2-190244868-G-A. GRCh37 (hg19) VCF-style: chr2-191109594-G-A.
Other names: c.891+19C>T (NM_198047.3).
Identifiers: ClinVar variation 508416 (VCV000508416.1), dbSNP rs1553499717, ClinGen allele CA658796133.

ClinVar aggregate classification (germline): Likely benign (1 of 4 stars; one submission).

Submission:

GeneDx
Classification: Likely benign. Last evaluated: 2017-04-07. Review status: criteria provided, single submitter. Criteria: GeneDx Variant Classification (06012015). Collection method: clinical testing. Allele origin: germline. Affected: yes.
Comment: This variant is considered likely benign or benign based on one or more of the following criteria: it is a conservative change, it occurs at a poorly conserved position in the protein, it is predicted to be benign by multiple in silico algorithms, and/or has population frequency not consistent with disease.